The following is an entry in ClinVar:

ClinVar aggregate classification (germline): Conflicting classifications of pathogenicity. Review status: criteria provided, conflicting classifications (1 of 4 stars). 4 submissions from 4 submitters: Uncertain significance (3); Likely benign (1). Last evaluated 2024-06-05.

Conditions:
Inborn genetic diseases. Identifiers: MedGen C0950123, MeSH D030342.
Muscular dystrophy-dystroglycanopathy type B6 (MDDGB6). Also called: MUSCULAR DYSTROPHY, CONGENITAL, LARGE-RELATED; MUSCULAR DYSTROPHY, CONGENITAL, TYPE 1D; MUSCULAR DYSTROPHY-DYSTROGLYCANOPATHY (CONGENITAL WITH IMPAIRED INTELLECTUAL DEVELOPMENT), TYPE B, 6. Identifiers: MedGen C1837229, MONDO:0012138, OMIM 608840.

Allele frequency attached by ClinVar (database versions not stated): ExAC 0.00014; gnomAD exomes 0.00014; ESP Exome Variant Server 0.00015; gnomAD 0.00015 and 0.00016; TOPMed 0.00015.
gnomAD v4.1: 340 of 1,614,066 alleles (0.021%); highest among the groups gnomAD compares: Middle Eastern, 0.049%; 2 homozygotes.

Submissions (4):

Revvity Omics, Revvity
Classification: Uncertain significance. Last evaluated: 2024-06-05. Review status: criteria provided, single submitter. Criteria: ACMG Guidelines, 2015. Collection method: clinical testing. Allele origin: germline.

Labcorp Genetics (formerly Invitae), Labcorp
Classification: Uncertain significance for Muscular dystrophy-dystroglycanopathy type B6. Last evaluated: 2022-10-25. Review status: criteria provided, single submitter. Criteria: Invitae Variant Classification Sherloc (09022015). Collection method: clinical testing. Allele origin: germline.
Comment: This sequence change replaces threonine, which is neutral and polar, with methionine, which is neutral and non-polar, at codon 631 of the LARGE1 protein (p.Thr631Met). This variant is present in population databases (rs368043810, gnomAD 0.02%). This variant has not been reported in the literature in individuals affected with LARGE1-related conditions. ClinVar contains an entry for this variant (Variation ID: 657473). Advanced modeling of protein sequence and biophysical properties (such as structural, functional, and spatial information, amino acid conservation, physicochemical variation, residue mobility, and thermodynamic stability) performed at Invitae indicates that this missense variant is not expected to disrupt LARGE1 protein function. In summary, the available evidence is currently insufficient to determine the role of this variant in disease. Therefore, it has been classified as a Variant of Uncertain Significance.

Ambry Genetics
Classification: Uncertain significance for Inborn genetic diseases. Last evaluated: 2022-07-08. Review status: criteria provided, single submitter. Criteria: Ambry Variant Classification Scheme 2023. Collection method: clinical testing. Allele origin: germline.

GeneDx
Classification: Likely benign. Last evaluated: 2021-04-15. Review status: criteria provided, single submitter. Criteria: GeneDx Variant Classification Process June 2021. Collection method: clinical testing. Allele origin: germline. Affected: yes.
Comment: In silico analysis supports that this missense variant does not alter protein structure/function; Has not been previously published as pathogenic or benign to our knowledge

NM_133642.5(LARGE1):c.1892C>T (p.Thr631Met)

Gene: LARGE1 (LARGE xylosyl- and glucuronyltransferase 1; minus strand). Cytogenetic location: 22q12.3.
Variant type: single nucleotide variant.
Coding change: c.1892C>T on transcript NM_133642.5 (MANE Select); coding-DNA position 1892, C replaced by T.
Protein change: p.Thr631Met; replaces threonine 631 with methionine.
Molecular consequence: missense variant.
Genome position (GRCh38, 1-based): chr22:33,277,241, G>A on the plus strand (C>T on the coding strand, the complement: LARGE1 is on the minus strand). VCF-style: chr22-33277241-G-A. GRCh37 (hg19) VCF-style: chr22-33673227-G-A.
Other names: c.1892C>T, p.Thr631Met (NM_001362949.2, NM_001362951.2, NM_001362953.2 and 4 more transcripts); c.1745C>T, p.Thr582Met (NM_001378627.1, NM_001378628.1); c.1736C>T, p.Thr579Met (NM_001378629.1); c.1289C>T, p.Thr430Met (NM_001378630.1); c.986C>T, p.Thr329Met (NM_001378631.1); c.1892C>T (NM_004737.6); short protein forms T631M, T329M, T430M, T579M, T582M.
Identifiers: ClinVar variation 657473 (VCV000657473.10), dbSNP rs368043810, ClinGen allele CA10202613.
Genomic context (GRCh38, chr22:33,277,241, plus strand): 5'-ACCCGGTAAGGCGTGGTGGCGGTCCGCCACTTGGCGAAGTTTGTGGGTGCGTGGCCTTTC[G>A]TCCAGACGTGGTACCTGAGACACACGGAGAAAAGCCATTGGGTGTAGGGAAGGAAGCCAA-3'
Protein context (NP_598397.1, residues 621-641): TLFTFRYHVW[Thr631Met]KGHAPTNFAK